The following is an entry in ClinVar:

ClinVar aggregate classification (germline): Likely pathogenic (1 of 4 stars; one submission).

Submission:

Labcorp Genetics (formerly Invitae), Labcorp
Classification: Likely pathogenic. Last evaluated: 2022-09-09. Review status: criteria provided, single submitter. Criteria: Invitae Variant Classification Sherloc (09022015). Collection method: clinical testing. Allele origin: germline.
Comment: This sequence change affects an acceptor splice site in intron 3 of the GNPTG gene. It is expected to disrupt RNA splicing. Variants that disrupt the donor or acceptor splice site typically lead to a loss of protein function (PMID: 16199547), and loss-of-function variants in GNPTG are known to be pathogenic (PMID: 19370764, 20301784). This variant is not present in population databases (gnomAD no frequency). This variant has not been reported in the literature in individuals affected with GNPTG-related conditions. Algorithms developed to predict the effect of sequence changes on RNA splicing suggest that this variant may disrupt the consensus splice site. In summary, the currently available evidence indicates that the variant is pathogenic, but additional data are needed to prove that conclusively. Therefore, this variant has been classified as Likely Pathogenic.

Literature cited by the submitters: PubMed 16199547; PubMed 19370764; PubMed 20301784.

NM_032520.5(GNPTG):c.179-2A>G

Gene: GNPTG (N-acetylglucosamine-1-phosphate transferase subunit gamma; plus strand). Cytogenetic location: 16p13.3.
Variant type: single nucleotide variant.
Coding change: c.179-2A>G on transcript NM_032520.5 (MANE Select); the canonical splice acceptor site of the intron before coding-DNA position 179, A replaced by G.
Molecular consequence: splice acceptor variant.
Genome position (GRCh38, 1-based): chr16:1,361,741, A>G. VCF-style: chr16-1361741-A-G. GRCh37 (hg19) VCF-style: chr16-1411742-A-G.
Identifiers: ClinVar variation 2029760 (VCV002029760.4), dbSNP rs2548189355, ClinGen allele CA394186451.